The following is an entry in ClinVar:

ClinVar aggregate classification (germline): Conflicting classifications of pathogenicity. Review status: criteria provided, conflicting classifications (1 of 4 stars). 4 submissions from 4 submitters: Likely pathogenic (1); Uncertain significance (3). Last evaluated 2025-10-06.

Conditions:
Hereditary cancer-predisposing syndrome. Also called: Hereditary neoplastic syndrome; Hereditary Cancer Syndrome; Neoplastic Syndromes, Hereditary; Tumor predisposition. Identifiers: Orphanet 140162, MedGen C0027672, MeSH D009386, MONDO:0015356.
Hereditary diffuse gastric adenocarcinoma (HDGC). Also called: DIFFUSE GASTRIC AND LOBULAR BREAST CANCER SYNDROME. Identifiers: Orphanet 26106, MedGen C1708349, MONDO:0007648, OMIM 137215.

Submissions (4):

Ambry Genetics
Classification: Likely pathogenic for Hereditary cancer-predisposing syndrome. Last evaluated: 2025-10-06. Review status: criteria provided, single submitter. Criteria: Ambry Variant Classification Scheme 2023. Collection method: clinical testing. Allele origin: germline.
Comment: The p.E757K variant (also known as c.2269G>A), located in coding exon 14 of the CDH1 gene, results from a G to A substitution at nucleotide position 2269. The glutamic acid at codon 757 is replaced by lysine, an amino acid with similar properties. This variant was reported in individuals with features consistent with CDH1-related diffuse gastric and lobular breast cancer (DGLBC) (Sim&otilde;es-Correia J et al. Hum Mol Genet, 2008 Nov;17:3566-76; external communication). This amino acid position is highly conserved in available vertebrate species. In addition, this alteration is predicted to be deleterious by in silico analysis. Based on the majority of available evidence to date, this variant is likely to be pathogenic.

Labcorp Genetics (formerly Invitae), Labcorp
Classification: Uncertain significance for Hereditary diffuse gastric adenocarcinoma. Last evaluated: 2023-09-11. Review status: criteria provided, single submitter. Criteria: Invitae Variant Classification Sherloc (09022015). Collection method: clinical testing. Allele origin: germline.
Comment: In summary, the available evidence is currently insufficient to determine the role of this variant in disease. Therefore, it has been classified as a Variant of Uncertain Significance. Experimental studies have shown that this missense change affects CDH1 function (PMID: 18772194, 19268661, 22850631, 25388006). An algorithm developed to predict the effect of missense changes on protein structure and function (PolyPhen-2) suggests that this variant is likely to be disruptive. ClinVar contains an entry for this variant (Variation ID: 420006). This missense change has been observed in individual(s) with diffuse gastric cancer (PMID: 18772194). This variant is not present in population databases (gnomAD no frequency). This sequence change replaces glutamic acid, which is acidic and polar, with lysine, which is basic and polar, at codon 757 of the CDH1 protein (p.Glu757Lys).

Color Diagnostics, LLC DBA Color Health
Classification: Uncertain significance for Hereditary cancer-predisposing syndrome. Last evaluated: 2022-11-16. Review status: criteria provided, single submitter. Criteria: ACMG Guidelines, 2015. Collection method: clinical testing. Allele origin: germline.
Comment: This missense variant replaces glutamic acid with lysine at codon 757 of the CDH1 protein. Experimental functional studies in cell lines have reported this variant to have partial effect on CDH1 function, including reduced surface and total CDH1 protein expression, beta-catenin interaction, and cell-cell adhesion, and increased retention in the endoplasmic reticulum, cell invasion and cell motiility (PMID: 18772194, 19268661, 21853084, 22613680, 22850631, 25388006). This variant has been reported in individuals from one family affected with diffuse gastric cancer in the literature. This variant has not been identified in the general population by the Genome Aggregation Database (gnomAD). The available evidence is insufficient to determine the role of this variant in disease conclusively. Therefore, this variant is classified as a Variant of Uncertain Significance.

GeneDx
Classification: Uncertain significance. Last evaluated: 2021-10-14. Review status: criteria provided, single submitter. Criteria: GeneDx Variant Classification Process June 2021. Collection method: clinical testing. Allele origin: germline. Affected: yes.
Comment: Not observed at significant frequency in large population cohorts (Lek 2016); In silico analysis supports that this missense variant has a deleterious effect on protein structure/function; Published functional studies demonstrate lower e-cadherin expression, increased invasion, decreased aggregation, and reduction of p120-catenin interaction (Simoes-Correia 2008, Mateus 2009, Sanches 2015, Figueiredo 2013); Observed in individuals with diffuse gastric cancer (Simoes-Correia 2008, Oliveira 2009, Pinheiro 2010); This variant is associated with the following publications: (PMID: 18772194, 21853084, 19268661, 25388006, 22850631, 22613680, 22225527, 19965908, 19269290, 20373070, 15235021, 30311375)

Literature cited by the submitters: PubMed 18772194 (cited by 3 submitters); PubMed 19268661 (cited by Labcorp Genetics (formerly Invitae), Labcorp and Color Diagnostics, LLC DBA Color Health); PubMed 22850631 (cited by Labcorp Genetics (formerly Invitae), Labcorp and Color Diagnostics, LLC DBA Color Health); PubMed 25388006 (cited by Labcorp Genetics (formerly Invitae), Labcorp and Color Diagnostics, LLC DBA Color Health); PubMed 21853084 (cited by Color Diagnostics, LLC DBA Color Health); PubMed 22613680 (cited by Color Diagnostics, LLC DBA Color Health).

NM_004360.5(CDH1):c.2269G>A (p.Glu757Lys)

Gene: CDH1 (cadherin 1; plus strand). Cytogenetic location: 16q22.1.
Variant type: single nucleotide variant.
Coding change: c.2269G>A on transcript NM_004360.5 (MANE Select); coding-DNA position 2269, G replaced by A.
Protein change: p.Glu757Lys; replaces glutamic acid 757 with lysine.
Molecular consequence: missense variant.
Genome position (GRCh38, 1-based): chr16:68,828,278, G>A. VCF-style: chr16-68828278-G-A. GRCh37 (hg19) VCF-style: chr16-68862181-G-A.
Other names: c.2269G>A (LRG_301t1); c.2086G>A, p.Glu696Lys (NM_001317184.2); c.721G>A, p.Glu241Lys (NM_001317185.2); c.304G>A, p.Glu102Lys (NM_001317186.2); short protein forms E757K, E696K, E102K, E241K.
Identifiers: ClinVar variation 420006 (VCV000420006.12), dbSNP rs1064794232, ClinGen allele CA16620259.